The following is an entry in ClinVar:

ClinVar aggregate classification (germline): Uncertain significance (1 of 4 stars; one submission).

Submission:

Labcorp Genetics (formerly Invitae), Labcorp
Classification: Uncertain significance. Last evaluated: 2022-09-27. Review status: criteria provided, single submitter. Criteria: Invitae Variant Classification Sherloc (09022015). Collection method: clinical testing. Allele origin: germline.
Comment: In summary, the available evidence is currently insufficient to determine the role of this variant in disease. Therefore, it has been classified as a Variant of Uncertain Significance. Algorithms developed to predict the effect of missense changes on protein structure and function are either unavailable or do not agree on the potential impact of this missense change (SIFT: "Deleterious"; PolyPhen-2: "Probably Damaging"; Align-GVGD: "Class C0"). This variant has not been reported in the literature in individuals affected with WHRN-related conditions. This variant is not present in population databases (gnomAD no frequency). This sequence change replaces valine, which is neutral and non-polar, with methionine, which is neutral and non-polar, at codon 171 of the WHRN protein (p.Val171Met).

NM_015404.4(WHRN):c.511G>A (p.Val171Met)

Gene: WHRN (whirlin; minus strand). Cytogenetic location: 9q32.
Variant type: single nucleotide variant.
Coding change: c.511G>A on transcript NM_015404.4 (MANE Select); coding-DNA position 511, G replaced by A.
Protein change: p.Val171Met; replaces valine 171 with methionine.
Molecular consequence: missense variant.
Genome position (GRCh38, 1-based): chr9:114,504,291, C>T on the plus strand (G>A on the coding strand, the complement: WHRN is on the minus strand). VCF-style: chr9-114504291-C-T. GRCh37 (hg19) VCF-style: chr9-117266571-C-T.
Other names: c.511G>A, p.Val171Met (NM_001173425.2); short protein forms V171M.
Identifiers: ClinVar variation 1941212 (VCV001941212.5), dbSNP rs1844195498, ClinGen allele CA374612015.
Genomic context (GRCh38, chr9:114,504,291, plus strand): 5'-CGCGCAGAATCTGGTCCCCGACCCGCAGTCCTTCCTTCTCAGCTAGAGAGCCTGGTTCCA[C>T]CAGAGACACGTAGATGCCCACGCCGTGCTCCGAGCCCCCACGGATGCTGAAGCCCAAGCC-3'
Protein context (NP_056219.3, residues 161-181): EHGVGIYVSL[Val171Met]EPGSLAEKEG